The following is an entry in ClinVar:

NM_000138.5(FBN1):c.7822G>T (p.Glu2608Ter)

Gene: FBN1 (fibrillin 1; minus strand). Cytogenetic location: 15q21.1.
Variant type: single nucleotide variant.
Coding change: c.7822G>T on transcript NM_000138.5 (MANE Select); coding-DNA position 7822, G replaced by T.
Protein change: p.Glu2608Ter; replaces glutamic acid 2608 with a stop codon.
Molecular consequence: nonsense.
Genome position (GRCh38, 1-based): chr15:48,415,765, C>A on the plus strand (G>T on the coding strand, the complement: FBN1 is on the minus strand). VCF-style: chr15-48415765-C-A. GRCh37 (hg19) VCF-style: chr15-48707962-C-A.
Other names: short protein forms E2608*.
Identifiers: ClinVar variation 579718 (VCV000579718.8), dbSNP rs1566890005, ClinGen allele CA392323464.

ClinVar aggregate classification (germline): Pathogenic. Review status: criteria provided, multiple submitters, no conflicts (2 of 4 stars). 2 submissions from 2 submitters: Pathogenic (2). Last evaluated 2024-06-17.

Conditions:
Familial thoracic aortic aneurysm and aortic dissection (TAAD). Also called: Thoracic aortic aneurysms and dissections. Identifiers: Orphanet 91387, MedGen C4707243, MONDO:0019625.
Marfan syndrome (MFS). Also called: FBN1-Related Marfan Syndrome; Marfan syndrome type 1; Marfan's syndrome; Marfan syndrome, classic; MARFAN SYNDROME, TYPE I. Identifiers: Orphanet 284963, Orphanet 558, MedGen C0024796, MONDO:0007947, OMIM 154700.

Submissions (2):

Labcorp Genetics (formerly Invitae), Labcorp
Classification: Pathogenic for Marfan syndrome; Familial thoracic aortic aneurysm and aortic dissection. Last evaluated: 2024-06-17. Review status: criteria provided, single submitter. Criteria: Invitae Variant Classification Sherloc (09022015). Collection method: clinical testing. Allele origin: germline.
Comment: This sequence change creates a premature translational stop signal (p.Glu2608*) in the FBN1 gene. It is expected to result in an absent or disrupted protein product. Loss-of-function variants in FBN1 are known to be pathogenic (PMID: 17657824, 19293843). This variant is not present in population databases (gnomAD no frequency). This variant has not been reported in the literature in individuals affected with FBN1-related conditions. ClinVar contains an entry for this variant (Variation ID: 579718). For these reasons, this variant has been classified as Pathogenic.

Ambry Genetics
Classification: Pathogenic for Familial thoracic aortic aneurysm and aortic dissection. Last evaluated: 2019-05-09. Review status: criteria provided, single submitter. Criteria: Ambry Variant Classification Scheme 2023. Collection method: clinical testing. Allele origin: germline.
Comment: The p.E2608* pathogenic mutation (also known as c.7822G>T), located in coding exon 63 of the FBN1 gene, results from a G to T substitution at nucleotide position 7822. This changes the amino acid from a glutamic acid to a stop codon within coding exon 63. This alteration is expected to result in loss of function by premature protein truncation or nonsense-mediated mRNA decay. As such, this alteration is interpreted as a disease-causing mutation.

Literature cited by the submitters: PubMed 17657824 (cited by Labcorp Genetics (formerly Invitae), Labcorp); PubMed 19293843 (cited by Labcorp Genetics (formerly Invitae), Labcorp).